The following is an entry in ClinVar:

ClinVar aggregate classification (germline): Pathogenic/Likely pathogenic. Review status: criteria provided, multiple submitters, no conflicts (2 of 4 stars). 4 submissions from 4 submitters: Pathogenic (1); Likely pathogenic (2). 1 of the submissions does not count toward it. Last evaluated 2025-10-21.

Conditions:
Spondylocostal dysostosis 2, autosomal recessive (SCDO2). Also called: Spondylocostal dysostosis type 2; MESP2-Related Spondylocostal Dysostosis, Autosomal Recessive. Identifiers: Orphanet 2311, MedGen C1837549, MONDO:0012097, OMIM 608681.

Allele frequency attached by ClinVar (database versions not stated): gnomAD 0.00001; TOPMed 0.00001; 1000 Genomes Project 0.00020; 1000 Genomes Project 30x 0.00031.
gnomAD v4.1: 13 of 1,527,634 alleles (0.00085%); highest among the groups gnomAD compares: Admixed American, 0.0079%; no homozygotes.

Submissions (4):

Natera, Inc.
Classification: Likely pathogenic for Spondylocostal dysostosis type 2. Last evaluated: 2025-10-21. Review status: criteria provided, single submitter. Criteria: Natera Variant Classification Schema (03/2026). Collection method: clinical testing. Allele origin: germline.
Comment: The c.229G>T variant in MESP2 is a nonsense variant predicted to introduce a stop codon at amino acid 77. This variant is expected to result in nonsense mediated decay, truncation, or a dysfunctional protein product. This variant is rare in the general population with a frequency below the threshold expected for the associated phenotype(s). Given the available evidence, this variant is classified as Likely Pathogenic.

Fulgent Genetics
Classification: Likely pathogenic for Spondylocostal dysostosis 2, autosomal recessive. Last evaluated: 2024-02-27. Review status: criteria provided, single submitter. Criteria: ACMG Guidelines, 2015. Collection method: clinical testing. Allele origin: germline.

Labcorp Genetics (formerly Invitae), Labcorp
Classification: Pathogenic. Last evaluated: 2023-11-01. Review status: criteria provided, single submitter. Criteria: Invitae Variant Classification Sherloc (09022015). Collection method: clinical testing. Allele origin: germline.
Comment: This sequence change creates a premature translational stop signal (p.Gly77*) in the MESP2 gene. It is expected to result in an absent or disrupted protein product. Loss-of-function variants in MESP2 are known to be pathogenic (PMID: 9242490, 18485326). This variant is present in population databases (rs538996447, gnomAD 0.01%). This variant has not been reported in the literature in individuals affected with MESP2-related conditions. ClinVar contains an entry for this variant (Variation ID: 551110). For these reasons, this variant has been classified as Pathogenic.

Counsyl
Classification: Likely pathogenic for Spondylocostal dysostosis 2, autosomal recessive. Last evaluated: 2017-03-10. Review status: no assertion criteria provided. Collection method: clinical testing. Allele origin: unknown. Not counted in ClinVar's aggregate classification.

Literature cited by the submitters: PubMed 9242490 (cited by Labcorp Genetics (formerly Invitae), Labcorp); PubMed 18485326 (cited by Labcorp Genetics (formerly Invitae), Labcorp).

NM_001039958.2(MESP2):c.229G>T (p.Gly77Ter)

Gene: MESP2 (mesoderm posterior bHLH transcription factor 2; plus strand). Cytogenetic location: 15q26.1.
Variant type: single nucleotide variant.
Coding change: c.229G>T on transcript NM_001039958.2 (MANE Select); coding-DNA position 229, G replaced by T.
Protein change: p.Gly77Ter; replaces glycine 77 with a stop codon.
Molecular consequence: nonsense.
Genome position (GRCh38, 1-based): chr15:89,776,586, G>T. VCF-style: chr15-89776586-G-T. GRCh37 (hg19) VCF-style: chr15-90319817-G-T.
Other names: short protein forms G77*.
Identifiers: ClinVar variation 551110 (VCV000551110.11), dbSNP rs538996447, ClinGen allele CA274596795.